The following is an entry in ClinVar:

NM_016107.5(ZFR):c.1317T>C (p.Ala439=)

Gene: ZFR (zinc finger RNA binding protein; minus strand). Cytogenetic location: 5p13.3.
Variant type: single nucleotide variant.
Coding change: c.1317T>C on transcript NM_016107.5 (MANE Select); coding-DNA position 1317, T replaced by C.
Protein change: p.Ala439=; no amino-acid change (alanine 439 retained).
Molecular consequence: synonymous variant. On other transcripts: non-coding transcript variant (1).
Genome position (GRCh38, 1-based): chr5:32,403,305, A>G on the plus strand (T>C on the coding strand, the complement: ZFR is on the minus strand). VCF-style: chr5-32403305-A-G. GRCh37 (hg19) VCF-style: chr5-32403410-A-G.
Identifiers: ClinVar variation 3040066 (VCV003040066.2), dbSNP rs773406801, ClinGen allele CA3221863.

ClinVar aggregate classification (germline): Likely benign (0 of 4 stars; one submission).

Conditions:
ZFR-related disorder. Also called: ZFR-related condition.

Allele frequency attached by ClinVar (database versions not stated): gnomAD 0.00003; gnomAD exomes 0.00003; TOPMed 0.00003; ExAC 0.00004.
gnomAD v4.1: 54 of 1,614,102 alleles (0.0033%); highest among the groups gnomAD compares: Admixed American, 0.013%; no homozygotes.

Submission:

PreventionGenetics, part of Exact Sciences
Classification: Likely benign for ZFR-related condition. Last evaluated: 2023-08-03. Review status: no assertion criteria provided. Collection method: clinical testing. Allele origin: germline.
Comment: This variant is classified as likely benign based on ACMG/AMP sequence variant interpretation guidelines (Richards et al. 2015 PMID: 25741868, with internal and published modifications).